The following is an entry in ClinVar:

NM_001348323.3(TRIP12):c.638_639del (p.Arg213fs)

Gene: TRIP12 (thyroid hormone receptor interactor 12; minus strand). Cytogenetic location: 2q36.3.
Variant type: Microsatellite.
Coding change: c.638_639del on transcript NM_001348323.3 (MANE Select); coding-DNA positions 638 to 639, 2 bases deleted (GA; older notation c.638_639delGA).
Protein change: p.Arg213fs; shifts the reading frame from arginine 213.
Molecular consequence: frameshift variant. On other transcripts: intron variant (1).
Genome position (GRCh38, 1-based): chr2:229,859,160-229,859,161, TC deleted on the plus strand (GA on the coding strand, the reverse complement: TRIP12 is on the minus strand); deleting any 2 consecutive bases within chr2:229,859,160-229,859,166 gives the same sequence; the c. name uses the placement nearest the transcript's 3' end. VCF-style (leftmost placement, unchanged base first): chr2-229859159-ATC-A. GRCh37 (hg19) VCF-style: chr2-230723875-ATC-A.
Other names: c.638_639del, p.Arg213fs (NM_001284214.2, NM_001348315.2, NM_001348319.1 and 15 more transcripts); c.512_513del, p.Arg171fs (NM_001284215.2, NM_001348316.2, NM_001348317.1 and 3 more transcripts); c.98+20817GA[2] (NM_001284216.2); c.638_639delGA (NM_001348323.3); short protein forms R171fs, R213fs.
Identifiers: ClinVar variation 3063732 (VCV003063732.1), dbSNP rs2475946632, ClinGen allele CA2740096493.

ClinVar aggregate classification (germline): Pathogenic (1 of 4 stars; one submission).

Conditions:
Clark-Baraitser syndrome. Also called: BARAITSER SYNDROME; Mental retardation, tall stature, obesity, macrocephaly and typical facial features; Intellectual disability, autosomal dominant 49; MENTAL RETARDATION, AUTOSOMAL DOMINANT 49. Identifiers: Orphanet 600731, MedGen C2931130, MONDO:0030914, OMIM 617752.

Submission:

Women's Health and Genetics/Laboratory Corporation of America, LabCorp
Classification: Pathogenic for Clark-Baraitser syndrome. Last evaluated: 2024-01-31. Review status: criteria provided, single submitter. Criteria: LabCorp Variant Classification Summary - May 2015. Collection method: clinical testing. Allele origin: germline.
Comment: Variant summary: TRIP12 c.638_639delGA (p.Arg213IlefsX20) results in a premature termination codon, predicted to cause a truncation of the encoded protein or absence of the protein due to nonsense mediated decay, which are commonly known mechanisms for disease. The variant was absent in 251392 control chromosomes. To our knowledge, no experimental evidence demonstrating an impact on protein function has been reported. No submitters have cited clinical-significance assessments for this variant to ClinVar. Based on the evidence outlined above, the variant was classified as pathogenic.